The following is an entry in ClinVar:

ClinVar aggregate classification (germline): Benign/Likely benign. Review status: criteria provided, multiple submitters, no conflicts (2 of 4 stars). 3 submissions from 3 submitters: Benign (1); Likely benign (2). Last evaluated 2025-02-17.

Conditions:
Hereditary cancer-predisposing syndrome. Also called: Tumor predisposition; Neoplastic Syndromes, Hereditary; Hereditary neoplastic syndrome; Hereditary Cancer Syndrome. Identifiers: Orphanet 140162, MedGen C0027672, MeSH D009386, MONDO:0015356.
Familial adenomatous polyposis 1 (FAP1). Also called: POLYPOSIS, ADENOMATOUS INTESTINAL; FAMILIAL ADENOMATOUS POLYPOSIS 1, ATTENUATED. Identifiers: MedGen C2713442, MONDO:0021056, OMIM 175100. Disease mechanism: loss of function.

Submissions (3):

Labcorp Genetics (formerly Invitae), Labcorp
Classification: Likely benign for Familial adenomatous polyposis 1. Last evaluated: 2025-02-17. Review status: criteria provided, single submitter. Criteria: Invitae Variant Classification Sherloc (09022015). Collection method: clinical testing. Allele origin: germline.

Myriad Genetics, Inc.
Classification: Benign for Familial adenomatous polyposis 1. Last evaluated: 2024-03-27. Review status: criteria provided, single submitter. Criteria: Myriad Autosomal Dominant, Autosomal Recessive and X-Linked Classification Criteria (2023). Collection method: clinical testing. Allele origin: unknown.
Comment: This variant is considered benign. This variant is a silent/synonymous amino acid change and it is not expected to impact splicing.

Color Diagnostics, LLC DBA Color Health
Classification: Likely benign for Hereditary cancer-predisposing syndrome. Last evaluated: 2018-02-08. Review status: criteria provided, single submitter. Criteria: ACMG Guidelines, 2015. Collection method: clinical testing. Allele origin: germline.

NM_000038.6(APC):c.4818A>G (p.Ala1606=)

Gene: APC (APC regulator of Wnt signaling pathway; plus strand). Cytogenetic location: 5q22.2.
Variant type: single nucleotide variant.
Coding change: c.4818A>G on transcript NM_000038.6 (MANE Select); coding-DNA position 4818, A replaced by G.
Protein change: p.Ala1606=; no amino-acid change (alanine 1606 retained).
Molecular consequence: synonymous variant.
Genome position (GRCh38, 1-based): chr5:112,840,412, A>G. VCF-style: chr5-112840412-A-G. GRCh37 (hg19) VCF-style: chr5-112176109-A-G.
Other names: c.4818A>G, p.Ala1606= (NM_001127510.3, NM_001354895.2); c.4764A>G, p.Ala1588= (NM_001127511.3); c.4872A>G, p.Ala1624= (NM_001354896.2); c.4848A>G, p.Ala1616= (NM_001354897.2); c.4743A>G, p.Ala1581= (NM_001354898.2); c.4734A>G, p.Ala1578= (NM_001354899.2); c.4695A>G, p.Ala1565= (NM_001354900.2); c.4641A>G, p.Ala1547= (NM_001354901.2); and 5 more.
Identifiers: ClinVar variation 631331 (VCV000631331.8), dbSNP rs1561595697, ClinGen allele CA446208065.
Genomic context (GRCh38, chr5:112,840,412, plus strand): 5'-GTCATCACGTAAAGCAAAAAAGCCAGCCCAGACTGCTTCAAAATTACCTCCACCTGTGGC[A>G]AGGAAACCAAGTCAGCTGCCTGTGTACAAACTTCTACCATCACAAAACAGGTTGCAACCC-3'
Protein context (NP_000029.2, residues 1596-1616): QTASKLPPPV[Ala1606=]RKPSQLPVYK